The following is an entry in ClinVar:

NC_012920.1(MT-ND5):m.12401C>T

Gene: MT-ND5 (mitochondrially encoded NADH dehydrogenase 5; plus strand).
Variant type: single nucleotide variant.
Genome position: chrM-12401-C-T.
Identifiers: ClinVar variation 693434 (VCV000693434.1), dbSNP rs1603223721, ClinGen allele CA414812983.

ClinVar aggregate classification (germline): Likely benign (1 of 4 stars; one submission).

Conditions:
Leigh syndrome (NULS). Also called: Leigh's necrotizing encephalopathy; Leigh's disease; Leigh Syndrome (mtDNA deletion); Leigh Disease; Subacute necrotizing encephalopathy; Necrotizing encephalopathy infantile subacute of Leigh. Identifiers: Orphanet 506, MedGen C2931891, MONDO:0009723, OMIM 256000.

Submission:

Wong Mito Lab, Molecular and Human Genetics, Baylor College of Medicine
Classification: Likely benign for Leigh syndrome. Last evaluated: 2019-10-17. Review status: criteria provided, single submitter. Criteria: Modified ACMG Guidelines (Unpublished). Collection method: clinical testing. Allele origin: germline.
Comment: The NC_012920.1:m.12401C>T (YP_003024036.1:p.Thr22Ile) variant in MTND5 gene is interpretated to be a Likely Benign variant based on the modified ACMG guidelines (unpublished). This variant meets the following evidence codes: BS1, BP4, BP5